The following is an entry in ClinVar:

ClinVar aggregate classification (germline): Uncertain significance (1 of 4 stars; one submission).

Allele frequency attached by ClinVar (database versions not stated): gnomAD exomes below 0.00001.
gnomAD v4.1: 1 of 1,211,420 alleles (0.000083%); highest among the groups gnomAD compares: Non-Finnish European, 0.00011%; no homozygotes.

Submission:

CeGaT Center for Human Genetics Tuebingen
Classification: Uncertain significance. Last evaluated: 2023-12-01. Review status: criteria provided, single submitter. Criteria: CeGaT Center For Human Genetics Tuebingen Variant Classification Criteria Version 2. Collection method: clinical testing. Allele origin: germline. Affected: yes. Observed: 1 variant allele.
Comment: NLGN4X: PM2, BP4

NM_181332.3(NLGN4X):c.47C>T (p.Pro16Leu)

Gene: NLGN4X (neuroligin 4 X-linked; minus strand). Cytogenetic location: Xp22.31.
Variant type: single nucleotide variant.
Coding change: c.47C>T on transcript NM_181332.3 (MANE Select); coding-DNA position 47, C replaced by T.
Protein change: p.Pro16Leu; replaces proline 16 with leucine.
Molecular consequence: missense variant.
Genome position (GRCh38, 1-based): chrX:6,151,420, G>A on the plus strand (C>T on the coding strand, the complement: NLGN4X is on the minus strand). VCF-style: chrX-6151420-G-A. GRCh37 (hg19) VCF-style: chrX-6069461-G-A.
Other names: c.47C>T, p.Pro16Leu (NM_001282145.2, NM_001282146.2, NM_020742.4); short protein forms P16L.
Identifiers: ClinVar variation 3026583 (VCV003026583.22), dbSNP rs2519423639, ClinGen allele CA412015586.
Genomic context (GRCh38, chrX:6,151,420, plus strand): 5'-AACTTGATGGCAAGAGCAGTTAACCACAGGAGGACATTGGAGTTTAACATGACGCAGACC[G>A]GGGTGAACAACAAAGGAAGCCATAGCAGTCCCTGGGGCCGTGACATGGTTCAAATCTGCA-3'
Protein context (NP_851849.1, residues 6-26): GLLWLPLLFT[Pro16Leu]VCVMLNSNVL